The following is an entry in ClinVar:

ClinVar aggregate classification (germline): Uncertain significance (1 of 4 stars; one submission).

Allele frequency attached by ClinVar (database versions not stated): gnomAD exomes below 0.00001.
gnomAD v4.1: 1 of 1,609,504 alleles (0.000062%); highest among the groups gnomAD compares: Non-Finnish European, 0.000085%; no homozygotes.

Submission:

Labcorp Genetics (formerly Invitae), Labcorp
Classification: Uncertain significance. Last evaluated: 2022-02-18. Review status: criteria provided, single submitter. Criteria: Invitae Variant Classification Sherloc (09022015). Collection method: clinical testing. Allele origin: germline.
Comment: This sequence change replaces aspartic acid, which is acidic and polar, with tyrosine, which is neutral and polar, at codon 145 of the LIG1 protein (p.Asp145Tyr). This variant is not present in population databases (gnomAD no frequency). This variant has not been reported in the literature in individuals affected with LIG1-related conditions. Algorithms developed to predict the effect of missense changes on protein structure and function (SIFT, PolyPhen-2, Align-GVGD) all suggest that this variant is likely to be tolerated. In summary, the available evidence is currently insufficient to determine the role of this variant in disease. Therefore, it has been classified as a Variant of Uncertain Significance.

NM_000234.3(LIG1):c.433G>T (p.Asp145Tyr)

Gene: LIG1 (DNA ligase 1; minus strand). Cytogenetic location: 19q13.33.
Variant type: single nucleotide variant.
Coding change: c.433G>T on transcript NM_000234.3 (MANE Select); coding-DNA position 433, G replaced by T.
Protein change: p.Asp145Tyr; replaces aspartic acid 145 with tyrosine.
Molecular consequence: missense variant. On other transcripts: non-coding transcript variant (6), intron variant (1).
Genome position (GRCh38, 1-based): chr19:48,153,905, C>A on the plus strand (G>T on the coding strand, the complement: LIG1 is on the minus strand). VCF-style: chr19-48153905-C-A. GRCh37 (hg19) VCF-style: chr19-48657162-C-A.
Other names: c.343G>T, p.Asp115Tyr (NM_001289063.2, NM_001320971.2); c.433G>T, p.Asp145Tyr (NM_001320970.2); c.370+3109G>T (NM_001289064.2); short protein forms D145Y, D115Y.
Identifiers: ClinVar variation 2098918 (VCV002098918.4), dbSNP rs2514274140, ClinGen allele CA406657895.